The following is an entry in ClinVar:

ClinVar aggregate classification (germline): Uncertain significance (1 of 4 stars; one submission).

gnomAD v4.1: 1 of 1,571,038 alleles (0.000064%); highest among the groups gnomAD compares: African/African-American, 0.0014%; no homozygotes.

Submission:

Labcorp Genetics (formerly Invitae), Labcorp
Classification: Uncertain significance. Last evaluated: 2025-06-12. Review status: criteria provided, single submitter. Criteria: Invitae Variant Classification Sherloc (09022015). Collection method: clinical testing. Allele origin: germline.
Comment: This sequence change falls in intron 79 of the LAMA5 gene. It does not directly change the encoded amino acid sequence of the LAMA5 protein. It affects a nucleotide within the consensus splice site. This variant is not present in population databases (gnomAD no frequency). This variant has not been reported in the literature in individuals affected with LAMA5-related conditions. Variants that disrupt the consensus splice site are a relatively common cause of aberrant splicing (PMID: 17576681, 9536098). Algorithms developed to predict the effect of sequence changes on RNA splicing suggest that this variant is not likely to affect RNA splicing. In summary, the available evidence is currently insufficient to determine the role of this variant in disease. Therefore, it has been classified as a Variant of Uncertain Significance.

Literature cited by the submitters: PubMed 17576681; PubMed 9536098.

NM_005560.6(LAMA5):c.10948+6T>A

Gene: LAMA5 (laminin subunit alpha 5; minus strand). Cytogenetic location: 20q13.33.
Variant type: single nucleotide variant.
Coding change: c.10948+6T>A on transcript NM_005560.6 (MANE Select); 6 bases into the intron after coding-DNA position 10948, T replaced by A.
Molecular consequence: intron variant.
Genome position (GRCh38, 1-based): chr20:62,309,710, A>T on the plus strand (T>A on the coding strand, the complement: LAMA5 is on the minus strand). VCF-style: chr20-62309710-A-T. GRCh37 (hg19) VCF-style: chr20-60884766-A-T.
Identifiers: ClinVar variation 4723535 (VCV004723535.1).
Genomic context (GRCh38, chr20:62,309,710, plus strand): 5'-TGGTAGGTTACGCAGCACCTAGTCCTGAGGGGCAGCTCCCCCACCCTTGATCAAGGCCGC[A>T]CTCACCAGGCAGGCCCCCGAGGTACAGAGGGGCTGGGGCACCAGCTGCAGCCGCCAGCAA-3'